The following is an entry in ClinVar:

ClinVar aggregate classification (germline): Uncertain significance (1 of 4 stars; one submission).

Conditions:
Hypertrophic cardiomyopathy 14. Identifiers: MedGen C2750467, MONDO:0013197, OMIM 613251.

Allele frequency attached by ClinVar (database versions not stated): ExAC 0.00001; gnomAD exomes 0.00001 and 0.00002; TOPMed 0.00002.
gnomAD v4.1: 8 of 1,614,198 alleles (0.0005%); highest among the groups gnomAD compares: East Asian, 0.016%; no homozygotes.

Submission:

Labcorp Genetics (formerly Invitae), Labcorp
Classification: Uncertain significance for Hypertrophic cardiomyopathy 14. Last evaluated: 2025-02-02. Review status: criteria provided, single submitter. Criteria: Invitae Variant Classification Sherloc (09022015). Collection method: clinical testing. Allele origin: germline.
Comment: This sequence change replaces lysine, which is basic and polar, with threonine, which is neutral and polar, at codon 965 of the MYH6 protein (p.Lys965Thr). This variant is present in population databases (rs771879878, gnomAD 0.02%). This variant has not been reported in the literature in individuals affected with MYH6-related conditions. ClinVar contains an entry for this variant (Variation ID: 1027174). Invitae Evidence Modeling of protein sequence and biophysical properties (such as structural, functional, and spatial information, amino acid conservation, physicochemical variation, residue mobility, and thermodynamic stability) indicates that this missense variant is expected to disrupt MYH6 protein function with a positive predictive value of 80%. In summary, the available evidence is currently insufficient to determine the role of this variant in disease. Therefore, it has been classified as a Variant of Uncertain Significance.

NM_002471.4(MYH6):c.2894A>C (p.Lys965Thr)

Gene: MYH6 (myosin heavy chain 6; minus strand). Cytogenetic location: 14q11.2.
Variant type: single nucleotide variant.
Coding change: c.2894A>C on transcript NM_002471.4 (MANE Select); coding-DNA position 2894, A replaced by C.
Protein change: p.Lys965Thr; replaces lysine 965 with threonine.
Molecular consequence: missense variant.
Genome position (GRCh38, 1-based): chr14:23,393,700, T>G on the plus strand (A>C on the coding strand, the complement: MYH6 is on the minus strand). VCF-style: chr14-23393700-T-G. GRCh37 (hg19) VCF-style: chr14-23862909-T-G.
Other names: short protein forms K965T.
Identifiers: ClinVar variation 1027174 (VCV001027174.8), dbSNP rs771879878, ClinGen allele CA7115359.